The following is an entry in ClinVar:

ClinVar aggregate classification (germline): Uncertain significance. Review status: criteria provided, multiple submitters, no conflicts (2 of 4 stars). 2 submissions from 2 submitters: Uncertain significance (2). Last evaluated 2023-03-21.

Conditions:
Inborn genetic diseases. Identifiers: MedGen C0950123, MeSH D030342.
Focal segmental glomerulosclerosis 5 (FSGS5). Identifiers: Orphanet 656, MedGen C2750475, MONDO:0013191, OMIM 613237.
Charcot-Marie-Tooth disease dominant intermediate E. Also called: CHARCOT-MARIE-TOOTH NEUROPATHY WITH FOCAL SEGMENTAL GLOMERULONEPHRITIS. Identifiers: Orphanet 93114, MedGen C4302667, MONDO:0013758, OMIM 614455.

Allele frequency attached by ClinVar (database versions not stated): gnomAD exomes below 0.00001; TOPMed below 0.00001; ExAC 0.00001.

Submissions (2):

Labcorp Genetics (formerly Invitae), Labcorp
Classification: Uncertain significance for Charcot-Marie-Tooth disease dominant intermediate E; Focal segmental glomerulosclerosis 5. Last evaluated: 2023-03-21. Review status: criteria provided, single submitter. Criteria: Invitae Variant Classification Sherloc (09022015). Collection method: clinical testing. Allele origin: germline.
Comment: This sequence change replaces lysine, which is basic and polar, with arginine, which is basic and polar, at codon 636 of the INF2 protein (p.Lys636Arg). This variant is present in population databases (rs761939643, gnomAD 0.0009%). This variant has not been reported in the literature in individuals affected with INF2-related conditions. ClinVar contains an entry for this variant (Variation ID: 639154). Advanced modeling of protein sequence and biophysical properties (such as structural, functional, and spatial information, amino acid conservation, physicochemical variation, residue mobility, and thermodynamic stability) performed at Invitae indicates that this missense variant is not expected to disrupt INF2 protein function. In summary, the available evidence is currently insufficient to determine the role of this variant in disease. Therefore, it has been classified as a Variant of Uncertain Significance.

Ambry Genetics
Classification: Uncertain significance for Inborn genetic diseases. Last evaluated: 2020-08-07. Review status: criteria provided, single submitter. Criteria: Ambry Variant Classification Scheme 2023. Collection method: clinical testing. Allele origin: germline.
Comment: The p.K636R variant (also known as c.1907A>G), located in coding exon 9 of the INF2 gene, results from an A to G substitution at nucleotide position 1907. The lysine at codon 636 is replaced by arginine, an amino acid with highly similar properties. This amino acid position is highly conserved in available vertebrate species. In addition, this alteration is predicted to be tolerated by in silico analysis. Since supporting evidence is limited at this time, the clinical significance of this alteration remains unclear.

NM_022489.4(INF2):c.1907A>G (p.Lys636Arg)

Gene: INF2 (inverted formin 2; plus strand). Cytogenetic location: 14q32.33.
Variant type: single nucleotide variant.
Coding change: c.1907A>G on transcript NM_022489.4 (MANE Select); coding-DNA position 1907, A replaced by G.
Protein change: p.Lys636Arg; replaces lysine 636 with arginine.
Molecular consequence: missense variant.
Genome position (GRCh38, 1-based): chr14:104,708,690, A>G. VCF-style: chr14-104708690-A-G. GRCh37 (hg19) VCF-style: chr14-105175027-A-G.
Other names: c.1907A>G, p.Lys636Arg (NM_001031714.4); short protein forms K636R.
Identifiers: ClinVar variation 639154 (VCV000639154.10), dbSNP rs761939643, ClinGen allele CA7372722.